The following is an entry in ClinVar:

NM_032776.3(JMJD1C):c.1360A>T (p.Thr454Ser)

Gene: JMJD1C (jumonji domain containing 1C; minus strand). Cytogenetic location: 10q21.3.
Variant type: single nucleotide variant.
Coding change: c.1360A>T on transcript NM_032776.3 (MANE Select); coding-DNA position 1360, A replaced by T.
Protein change: p.Thr454Ser; replaces threonine 454 with serine.
Molecular consequence: missense variant. On other transcripts: non-coding transcript variant (1).
Genome position (GRCh38, 1-based): chr10:63,214,807, T>A on the plus strand (A>T on the coding strand, the complement: JMJD1C is on the minus strand). VCF-style: chr10-63214807-T-A. GRCh37 (hg19) VCF-style: chr10-64974567-T-A.
Other names: c.814A>T, p.Thr272Ser (NM_001282948.2, NM_001318154.2); c.496A>T, p.Thr166Ser (NM_001318153.2); c.1246A>T, p.Thr416Ser (NM_001322252.2); c.703A>T, p.Thr235Ser (NM_001322254.2, NM_001322258.2); short protein forms T166S, T235S, T454S, T272S, T416S.
Identifiers: ClinVar variation 2848621 (VCV002848621.3), dbSNP rs542426858, ClinGen allele CA377049936.

ClinVar aggregate classification (germline): Uncertain significance (1 of 4 stars; one submission).

Conditions:
Early Myoclonic Encephalopathy. Identifiers: MedGen C0270855.

gnomAD v4.1: 2 of 1,613,734 alleles (0.00012%); highest among the groups gnomAD compares: Non-Finnish European, 0.00017%; no homozygotes.

Submission:

Labcorp Genetics (formerly Invitae), Labcorp
Classification: Uncertain significance for Early Myoclonic Encephalopathy. Last evaluated: 2023-03-22. Review status: criteria provided, single submitter. Criteria: Invitae Variant Classification Sherloc (09022015). Collection method: clinical testing. Allele origin: germline.
Comment: This sequence change replaces threonine, which is neutral and polar, with serine, which is neutral and polar, at codon 454 of the JMJD1C protein (p.Thr454Ser). This variant is not present in population databases (gnomAD no frequency). This variant has not been reported in the literature in individuals affected with JMJD1C-related conditions. Algorithms developed to predict the effect of missense changes on protein structure and function output the following: SIFT: "Not Available"; PolyPhen-2: "Benign"; Align-GVGD: "Not Available". The serine amino acid residue is found in multiple mammalian species, which suggests that this missense change does not adversely affect protein function. In summary, the available evidence is currently insufficient to determine the role of this variant in disease. Therefore, it has been classified as a Variant of Uncertain Significance.